The following is an entry in ClinVar:

NM_001433705.1(NLRP5):c.686G>A (p.Arg229His)

Genes: NLRP5 (NLR family pyrin domain containing 5; plus strand), LOC126862935 (BRD4-independent group 4 enhancer GRCh37_chr19:56537936-56539135; plus strand). Cytogenetic location: 19q13.43.
Variant type: single nucleotide variant.
Coding change: c.686G>A on transcript NM_001433705.1 (MANE Select); coding-DNA position 686, G replaced by A.
Protein change: p.Arg229His; replaces arginine 229 with histidine.
Molecular consequence: missense variant.
Genome position (GRCh38, 1-based): chr19:56,027,072, G>A. VCF-style: chr19-56027072-G-A. GRCh37 (hg19) VCF-style: chr19-56538438-G-A.
Other names: NM_153447.4:c.839G>A; short protein forms R229H.
Identifiers: ClinVar variation 3042272 (VCV003042272.2), dbSNP rs200653793, ClinGen allele CA9685370.

ClinVar aggregate classification (germline): Benign (0 of 4 stars; one submission).

Conditions:
NLRP5-related disorder. Also called: NLRP5-related condition.

Allele frequency attached by ClinVar (database versions not stated): 1000 Genomes Project 30x 0.00281; 1000 Genomes Project 0.00280; gnomAD exomes 0.00093; ExAC 0.00478; ESP Exome Variant Server 0.00016.
gnomAD v4.1: 1,414 of 1,558,546 alleles (0.091%); highest among the groups gnomAD compares: South Asian, 1.3%; 16 homozygotes.

Submission:

PreventionGenetics, part of Exact Sciences
Classification: Benign for NLRP5-related condition. Last evaluated: 2019-05-08. Review status: no assertion criteria provided. Collection method: clinical testing. Allele origin: germline.
Comment: This variant is classified as benign based on ACMG/AMP sequence variant interpretation guidelines (Richards et al. 2015 PMID: 25741868, with internal and published modifications).